The following is an entry in ClinVar:

NM_201384.3(PLEC):c.923C>T (p.Pro308Leu)

Gene: PLEC (plectin; minus strand). Cytogenetic location: 8q24.3.
Variant type: single nucleotide variant.
Coding change: c.923C>T on transcript NM_201384.3 (MANE Select); coding-DNA position 923, C replaced by T.
Protein change: p.Pro308Leu; replaces proline 308 with leucine.
Molecular consequence: missense variant.
Genome position (GRCh38, 1-based): chr8:143,934,832, G>A on the plus strand (C>T on the coding strand, the complement: PLEC is on the minus strand). VCF-style: chr8-143934832-G-A. GRCh37 (hg19) VCF-style: chr8-145009000-G-A.
Other names: c.1004C>T, p.Pro335Leu (NM_000445.5); c.881C>T, p.Pro294Leu (NM_201378.4); c.857C>T, p.Pro286Leu (NM_201379.3); c.1334C>T, p.Pro445Leu (NM_201380.4); c.827C>T, p.Pro276Leu (NM_201381.3); c.923C>T, p.Pro308Leu (NM_201382.4); c.935C>T, p.Pro312Leu (NM_201383.3); c.1004C>T (NM_000445.3); short protein forms P286L, P276L, P294L, P308L, P335L, P445L, P312L.
Identifiers: ClinVar variation 284249 (VCV000284249.16), dbSNP rs781813266, ClinGen allele CA4928256.

ClinVar aggregate classification (germline): Uncertain significance. Review status: criteria provided, multiple submitters, no conflicts (2 of 4 stars). 5 submissions from 5 submitters: Uncertain significance (4). 1 of the submissions does not count toward it. Last evaluated 2026-01-01.

Conditions:
PLEC-related disorder. Also called: PLEC-related condition; PLEC-related disorders.
Epidermolysis bullosa simplex 5B, with muscular dystrophy (EBS5B). Also called: EPIDERMOLYSIS BULLOSA SIMPLEX AND LIMB-GIRDLE MUSCULAR DYSTROPHY; Epidermolysis bullosa simplex with muscular dystrophy. Identifiers: Orphanet 257, MedGen C2931072, MONDO:0009181, OMIM 226670.
Epidermolysis bullosa simplex with nail dystrophy (EBS5D). Identifiers: MedGen C4225309, MONDO:0014661, OMIM 616487.
Autosomal recessive limb-girdle muscular dystrophy type 2Q (LGMDR17). Also called: MUSCULAR DYSTROPHY, LIMB-GIRDLE, AUTOSOMAL RECESSIVE 17. Identifiers: Orphanet 254361, MedGen C3150989, MONDO:0013390, OMIM 613723.
Epidermolysis bullosa simplex 5C, with pyloric atresia (EBS5C). Also called: PLEC1-Related Epidermolysis Bullosa with Pyloric Atresia; PLEC-Related Epidermolysis Bullosa with Pyloric Atresia; Epidermolysis bullosa simplex with pyloric atresia. Identifiers: Orphanet 158684, MedGen C2677349, MONDO:0012807, OMIM 612138.
Epidermolysis bullosa simplex, Ogna type (EBS5A). Also called: Pidermolysis bullosa simplex 5A, Ogna type; EPIDERMOLYSIS BULLOSA SIMPLEX 5A, OGNA TYPE. Identifiers: Orphanet 79401, MedGen C0432317, MONDO:0007555, OMIM 131950.
Inborn genetic diseases. Identifiers: MedGen C0950123, MeSH D030342.

Allele frequency attached by ClinVar (database versions not stated): gnomAD exomes below 0.00001 and 0.00001; gnomAD 0.00001; ExAC 0.00002; TOPMed 0.00002.
gnomAD v4.1: 22 of 1,611,480 alleles (0.0014%); highest among the groups gnomAD compares: Middle Eastern, 0.16%; no homozygotes.

Submissions (5):

Labcorp Genetics (formerly Invitae), Labcorp
Classification: Uncertain significance for Autosomal recessive limb-girdle muscular dystrophy type 2Q; Epidermolysis bullosa simplex, Ogna type; Epidermolysis bullosa simplex with nail dystrophy; Epidermolysis bullosa simplex 5C, with pyloric atresia; Epidermolysis bullosa simplex 5B, with muscular dystrophy. Last evaluated: 2026-01-01. Review status: criteria provided, single submitter. Criteria: Invitae Variant Classification Sherloc (09022015). Collection method: clinical testing. Allele origin: germline.
Comment: This sequence change replaces proline, which is neutral and non-polar, with leucine, which is neutral and non-polar, at codon 335 of the PLEC protein (p.Pro335Leu). This variant is present in population databases (rs781813266, gnomAD 0.003%). This variant has not been reported in the literature in individuals affected with PLEC-related conditions. ClinVar contains an entry for this variant (Variation ID: 284249). Invitae Evidence Modeling of protein sequence and biophysical properties (such as structural, functional, and spatial information, amino acid conservation, physicochemical variation, residue mobility, and thermodynamic stability) indicates that this missense variant is not expected to disrupt PLEC protein function with a negative predictive value of 80%. In summary, the available evidence is currently insufficient to determine the role of this variant in disease. Therefore, it has been classified as a Variant of Uncertain Significance.

Revvity Omics, Revvity
Classification: Uncertain significance. Last evaluated: 2022-05-25. Review status: criteria provided, single submitter. Criteria: ACMG Guidelines, 2015. Collection method: clinical testing. Allele origin: germline.

Ambry Genetics
Classification: Uncertain significance for Inborn genetic diseases. Last evaluated: 2021-08-04. Review status: criteria provided, single submitter. Criteria: Ambry Variant Classification Scheme 2023. Collection method: clinical testing. Allele origin: germline.

Eurofins Ntd Llc (ga)
Classification: Uncertain significance. Last evaluated: 2016-07-19. Review status: criteria provided, single submitter. Criteria: EGL Classification Definitions 2015. Collection method: clinical testing. Allele origin: germline. Observed: 1 variant allele, 1 heterozygote.

PreventionGenetics, part of Exact Sciences
Classification: Uncertain significance for PLEC-related condition. Last evaluated: 2024-02-12. Review status: no assertion criteria provided. Collection method: clinical testing. Allele origin: germline. Not counted in ClinVar's aggregate classification.
Comment: The PLEC c.1004C>T variant is predicted to result in the amino acid substitution p.Pro335Leu. To our knowledge, this variant has not been reported in the literature. This variant is reported in 0.0033% of alleles in individuals of South Asian descent in gnomAD. At this time, the clinical significance of this variant is uncertain due to the absence of conclusive functional and genetic evidence.